The following is an entry in ClinVar:

NM_002314.4(LIMK1):c.292-8C>T

Gene: LIMK1 (LIM domain kinase 1; plus strand). Cytogenetic location: 7q11.23.
Variant type: single nucleotide variant.
Coding change: c.292-8C>T on transcript NM_002314.4 (MANE Select); 8 bases into the intron before coding-DNA position 292, C replaced by T.
Molecular consequence: intron variant.
Genome position (GRCh38, 1-based): chr7:74,097,072, C>T. VCF-style: chr7-74097072-C-T. GRCh37 (hg19) VCF-style: chr7-73511402-C-T.
Other names: c.190-8C>T (NM_001204426.2).
Identifiers: ClinVar variation 2657582 (VCV002657582.24), dbSNP rs116341069, ClinGen allele CA367896680.

ClinVar aggregate classification (germline): Likely benign (1 of 4 stars; one submission).

gnomAD v4.1: 14 of 1,600,786 alleles (0.00087%); highest among the groups gnomAD compares: East Asian, 0.0022%; no homozygotes.

Submission:

CeGaT Center for Human Genetics Tuebingen
Classification: Likely benign. Last evaluated: 2023-08-01. Review status: criteria provided, single submitter. Criteria: CeGaT Center For Human Genetics Tuebingen Variant Classification Criteria Version 2. Collection method: clinical testing. Allele origin: germline. Affected: yes. Observed: 1 variant allele.
Comment: LIMK1: BP4